The following is an entry in ClinVar:

ClinVar aggregate classification (germline): Uncertain significance. Review status: criteria provided, multiple submitters, no conflicts (2 of 4 stars). 2 submissions from 2 submitters: Uncertain significance (2). Last evaluated 2025-02-20.

Conditions:
Ataxia-telangiectasia syndrome (AT). Also called: Ataxia telangiectasia (A-T); Cerebello-oculocutaneous telangiectasia; Immunodeficiency with ataxia telangiectasia; AT, COMPLEMENTATION GROUP C; ATAXIA-TELANGIECTASIA, COMPLEMENTATION GROUP A; ATAXIA-TELANGIECTASIA, FRESNO VARIANT. Identifiers: Orphanet 100, MedGen C0004135, MONDO:0008840, OMIM 208900.
Hereditary cancer-predisposing syndrome. Also called: Hereditary neoplastic syndrome; Tumor predisposition; Neoplastic Syndromes, Hereditary; Hereditary Cancer Syndrome. Identifiers: Orphanet 140162, MedGen C0027672, MeSH D009386, MONDO:0015356.

Allele frequency attached by ClinVar (database versions not stated): gnomAD exomes below 0.00001.

Submissions (2):

Labcorp Genetics (formerly Invitae), Labcorp
Classification: Uncertain significance for Ataxia-telangiectasia syndrome. Last evaluated: 2025-02-20. Review status: criteria provided, single submitter. Criteria: Invitae Variant Classification Sherloc (09022015). Collection method: clinical testing. Allele origin: germline.
Comment: This sequence change replaces serine, which is neutral and polar, with proline, which is neutral and non-polar, at codon 646 of the ATM protein (p.Ser646Pro). This variant is present in population databases (no rsID available, gnomAD no frequency). This variant has not been reported in the literature in individuals affected with ATM-related conditions. ClinVar contains an entry for this variant (Variation ID: 860263). Invitae Evidence Modeling of protein sequence and biophysical properties (such as structural, functional, and spatial information, amino acid conservation, physicochemical variation, residue mobility, and thermodynamic stability) indicates that this missense variant is not expected to disrupt ATM protein function with a negative predictive value of 95%. In summary, the available evidence is currently insufficient to determine the role of this variant in disease. Therefore, it has been classified as a Variant of Uncertain Significance.

Ambry Genetics
Classification: Uncertain significance for Hereditary cancer-predisposing syndrome. Last evaluated: 2024-07-27. Review status: criteria provided, single submitter. Criteria: Ambry Variant Classification Scheme 2023. Collection method: clinical testing. Allele origin: germline.
Comment: The p.S646P variant (also known as c.1936T>C), located in coding exon 12 of the ATM gene, results from a T to C substitution at nucleotide position 1936. The serine at codon 646 is replaced by proline, an amino acid with similar properties. This amino acid position is conserved. In addition, this alteration is predicted to be tolerated by in silico analysis. Based on the available evidence, the clinical significance of this variant remains unclear.

NM_000051.4(ATM):c.1936T>C (p.Ser646Pro)

Gene: ATM (ATM serine/threonine kinase; plus strand). Cytogenetic location: 11q22.3.
Variant type: single nucleotide variant.
Coding change: c.1936T>C on transcript NM_000051.4 (MANE Select); coding-DNA position 1936, T replaced by C.
Protein change: p.Ser646Pro; replaces serine 646 with proline.
Molecular consequence: missense variant.
Genome position (GRCh38, 1-based): chr11:108,253,851, T>C. VCF-style: chr11-108253851-T-C. GRCh37 (hg19) VCF-style: chr11-108124578-T-C.
Other names: c.1936T>C, p.Ser646Pro (NM_001351834.2); short protein forms S646P.
Identifiers: ClinVar variation 860263 (VCV000860263.8), dbSNP rs1485023251, ClinGen allele CA382536576.